The following is an entry in ClinVar:

ClinVar aggregate classification (germline): Uncertain significance (1 of 4 stars; one submission).

Conditions:
Cardiovascular phenotype. Identifiers: MedGen CN230736.

Allele frequency attached by ClinVar (database versions not stated): gnomAD 0.00002; TOPMed 0.00004; ExAC 0.00008; 1000 Genomes Project 30x 0.00016; 1000 Genomes Project 0.00020.
gnomAD v4.1: 4 of 1,537,654 alleles (0.00026%); highest among the groups gnomAD compares: African/African-American, 0.0055%; no homozygotes.

Submission:

Ambry Genetics
Classification: Uncertain significance for Cardiovascular phenotype. Last evaluated: 2024-10-24. Review status: criteria provided, single submitter. Criteria: Ambry Variant Classification Scheme 2023. Collection method: clinical testing. Allele origin: germline.
Comment: The p.A1113S variant (also known as c.3337G>T), located in coding exon 2 of the ZNF469 gene, results from a G to T substitution at nucleotide position 3337. The alanine at codon 1113 is replaced by serine, an amino acid with similar properties. This amino acid position is conserved. In addition, this alteration is predicted to be tolerated by in silico analysis. Since supporting evidence is limited at this time, the clinical significance of this alteration remains unclear.

NM_001367624.2(ZNF469):c.3421G>T (p.Ala1141Ser)

Gene: ZNF469 (zinc finger protein 469; plus strand). Cytogenetic location: 16q24.2.
Variant type: single nucleotide variant.
Coding change: c.3421G>T on transcript NM_001367624.2 (MANE Select); coding-DNA position 3421, G replaced by T.
Protein change: p.Ala1141Ser; replaces alanine 1141 with serine.
Molecular consequence: missense variant.
Genome position (GRCh38, 1-based): chr16:88,430,891, G>T. VCF-style: chr16-88430891-G-T. GRCh37 (hg19) VCF-style: chr16-88497299-G-T.
Other names: NM_001127464.1:c.3337G>T; short protein forms A1141S.
Identifiers: ClinVar variation 1730366 (VCV001730366.3), dbSNP rs547419772, ClinGen allele CA8224849.